The following is an entry in ClinVar:

ClinVar aggregate classification (germline): Uncertain significance (1 of 4 stars; one submission).

Conditions:
Methylmalonic acidemia with homocystinuria, type cblX (MAHCX). Also called: INTELLECTUAL DEVELOPMENTAL DISORDER, X-LINKED 3. Identifiers: Orphanet 369962, MedGen C0796208, MONDO:0010657, OMIM 309541.

gnomAD v4.1: 1 of 1,210,018 alleles (0.000083%); no homozygotes.

Submission:

Labcorp Genetics (formerly Invitae), Labcorp
Classification: Uncertain significance for Methylmalonic acidemia with homocystinuria, type cblX. Last evaluated: 2025-04-11. Review status: criteria provided, single submitter. Criteria: Invitae Variant Classification Sherloc (09022015). Collection method: clinical testing. Allele origin: germline.
Comment: This sequence change replaces asparagine, which is neutral and polar, with threonine, which is neutral and polar, at codon 1068 of the HCFC1 protein (p.Asn1068Thr). This variant is not present in population databases (gnomAD no frequency). This variant has not been reported in the literature in individuals affected with HCFC1-related conditions. Invitae Evidence Modeling of protein sequence and biophysical properties (such as structural, functional, and spatial information, amino acid conservation, physicochemical variation, residue mobility, and thermodynamic stability) has been performed for this missense variant. However, the output from this modeling did not meet the statistical confidence thresholds required to predict the impact of this variant on HCFC1 protein function. In summary, the available evidence is currently insufficient to determine the role of this variant in disease. Therefore, it has been classified as a Variant of Uncertain Significance.

NM_005334.3(HCFC1):c.3203A>C (p.Asn1068Thr)

Gene: HCFC1 (host cell factor C1; minus strand). Cytogenetic location: Xq28.
Variant type: single nucleotide variant.
Coding change: c.3203A>C on transcript NM_005334.3 (MANE Select); coding-DNA position 3203, A replaced by C.
Protein change: p.Asn1068Thr; replaces asparagine 1068 with threonine.
Molecular consequence: missense variant.
Genome position (GRCh38, 1-based): chrX:153,955,196, T>G on the plus strand (A>C on the coding strand, the complement: HCFC1 is on the minus strand). VCF-style: chrX-153955196-T-G. GRCh37 (hg19) VCF-style: chrX-153220647-T-G.
Other names: c.3203A>C, p.Asn1068Thr (NM_001410705.1, NM_001440843.1, NM_001440844.1 and 5 more transcripts); c.3005A>C, p.Asn1002Thr (NM_001440850.1, NM_001440851.1); short protein forms N1002T, N1068T.
Identifiers: ClinVar variation 4797421 (VCV004797421.1).